The following is an entry in ClinVar:

NM_173598.6(KSR2):c.822G>A (p.Pro274=)

Gene: KSR2 (kinase suppressor of ras 2; minus strand). Cytogenetic location: 12q24.23.
Variant type: single nucleotide variant.
Coding change: c.822G>A on transcript NM_173598.6 (MANE Select); coding-DNA position 822, G replaced by A.
Protein change: p.Pro274=; no amino-acid change (proline 274 retained).
Molecular consequence: synonymous variant.
Genome position (GRCh38, 1-based): chr12:117,761,175, C>T on the plus strand (G>A on the coding strand, the complement: KSR2 is on the minus strand). VCF-style: chr12-117761175-C-T. GRCh37 (hg19) VCF-style: chr12-118198980-C-T.
Identifiers: ClinVar variation 4979234 (VCV004979234.1).

ClinVar aggregate classification (germline): Likely benign (1 of 4 stars; one submission).

Conditions:
KSR2-related disorder. Also called: KSR2-related condition.

gnomAD v4.1: 23 of 1,600,176 alleles (0.0014%); highest among the groups gnomAD compares: Non-Finnish European, 0.0017%; no homozygotes.

Submission:

PreventionGenetics, part of Exact Sciences
Classification: Likely benign for KSR2-related condition. Last evaluated: 2026-09-21. Review status: criteria provided, single submitter. Criteria: ACMG Guidelines, 2015. Collection method: clinical testing. Allele origin: germline.
Comment: This variant is classified as likely benign based on ACMG/AMP sequence variant interpretation guidelines (Richards et al. 2015 PMID: 25741868, with internal and published modifications).